The following is an entry in ClinVar:

ClinVar aggregate classification (germline): Uncertain significance (1 of 4 stars; one submission).

Conditions:
Neurofibromatosis, type 1 (NF1). Also called: VON RECKLINGHAUSEN DISEASE; NEUROFIBROMATOSIS, TYPE I, SOMATIC; Peripheral type neurofibromatosis; Neurofibromatosis, type I. Identifiers: Orphanet 636, MedGen C0027831, MONDO:0018975, OMIM 162200. Disease mechanism: loss of function.

Submission:

Labcorp Genetics (formerly Invitae), Labcorp
Classification: Uncertain significance for Neurofibromatosis, type 1. Last evaluated: 2025-10-27. Review status: criteria provided, single submitter. Criteria: Invitae Variant Classification Sherloc (09022015). Collection method: clinical testing. Allele origin: germline.
Comment: This sequence change replaces leucine, which is neutral and non-polar, with proline, which is neutral and non-polar, at codon 1990 of the NF1 protein (p.Leu1990Pro). This variant is not present in population databases (gnomAD no frequency). This variant has not been reported in the literature in individuals affected with NF1-related conditions. ClinVar contains an entry for this variant (Variation ID: 237581). Invitae Evidence Modeling of protein sequence and biophysical properties (such as structural, functional, and spatial information, amino acid conservation, physicochemical variation, residue mobility, and thermodynamic stability) indicates that this missense variant is expected to disrupt NF1 protein function with a positive predictive value of 95%. In summary, the available evidence is currently insufficient to determine the role of this variant in disease. Therefore, it has been classified as a Variant of Uncertain Significance.

NM_001042492.3(NF1):c.6032T>C (p.Leu2011Pro)

Gene: NF1 (neurofibromin 1; plus strand). Cytogenetic location: 17q11.2.
Variant type: single nucleotide variant.
Coding change: c.6032T>C on transcript NM_001042492.3 (MANE Select); coding-DNA position 6032, T replaced by C.
Protein change: p.Leu2011Pro; replaces leucine 2011 with proline.
Molecular consequence: missense variant.
Genome position (GRCh38, 1-based): chr17:31,336,358, T>C. VCF-style: chr17-31336358-T-C. GRCh37 (hg19) VCF-style: chr17-29663376-T-C.
Other names: c.5969T>C, p.Leu1990Pro (NM_000267.4); short protein forms L1990P, L2011P.
Identifiers: ClinVar variation 237581 (VCV000237581.5), dbSNP rs878853906, ClinGen allele CA10583516.